The following is an entry in ClinVar:

NM_002968.3(SALL1):c.3005_3008del (p.Ala1002fs)

Gene: SALL1 (spalt like transcription factor 1; minus strand). Cytogenetic location: 16q12.1.
Variant type: Deletion.
Coding change: c.3005_3008del on transcript NM_002968.3 (MANE Select); coding-DNA positions 3005 to 3008, 4 bases deleted (CTTG; older notation c.3005_3008delCTTG).
Protein change: p.Ala1002fs; shifts the reading frame from alanine 1002.
Molecular consequence: frameshift variant.
Genome position (GRCh38, 1-based): chr16:51,139,214-51,139,217, CAAG deleted on the plus strand (CTTG on the coding strand, the reverse complement: SALL1 is on the minus strand); deleting any 4 consecutive bases within chr16:51,139,214-51,139,219 gives the same sequence; the c. name uses the placement nearest the transcript's 3' end. VCF-style (leftmost placement, unchanged base first): chr16-51139213-ACAAG-A. GRCh37 (hg19) VCF-style: chr16-51173124-ACAAG-A.
Other names: c.2714_2717del, p.Ala905fs (NM_001127892.2); c.3005_3008delCTTG (NM_002968.2); short protein forms A1002fs, A905fs.
Identifiers: ClinVar variation 663219 (VCV000663219.1), dbSNP rs1597228188, ClinGen allele CA915949258.
Genomic context (GRCh38, chr16:51,139,213, plus strand): 5'-ATGACTTCTATAGTGAATGTCCAAGGCACTCTGACAAGCAAATGTTTTGCCACAAATGTC[ACAAG>A]CAGTGTTTTTAAATTTACCCCGGTCTCTAAAAGGGAAGAGGATCCCCAAAGAATCTTCTT-3'

ClinVar aggregate classification (germline): Pathogenic (1 of 4 stars; one submission).

Conditions:
Townes syndrome (TBS). Also called: Townes-Brocks syndrome. Identifiers: Orphanet 857, MedGen C0265246, MeSH C536974, MONDO:0007142.

Submission:

Labcorp Genetics (formerly Invitae), Labcorp
Classification: Pathogenic for Townes syndrome. Last evaluated: 2018-10-23. Review status: criteria provided, single submitter. Criteria: Invitae Variant Classification Sherloc (09022015). Collection method: clinical testing. Allele origin: germline.
Comment: This sequence change results in a premature translational stop signal in the SALL1 gene (p.Ala1002Valfs*42). While this is not anticipated to result in nonsense mediated decay, it is expected to disrupt the last 323 amino acids of the SALL1 protein. This variant is not present in population databases (ExAC no frequency). This variant has not been reported in the literature in individuals with SALL1-related disease. Experimental studies and prediction algorithms are not available for this variant, and the functional significance of the affected amino acid(s) is currently unknown. This variant disrupts the C-terminus of the SALL1 protein. Other variant(s) that disrupt this region (p.Cys1139Trpfs*35) have been determined to be pathogenic (PMID:Â¬â€ 16971658, 23894113, 19429598, 18000979,Â¬â€ 23894113, 17221874). This suggests that variants that disrupt this region of the protein are likely to be causative of disease. For these reasons, this variant has been classified as Pathogenic.